The following is an entry in ClinVar:

ClinVar aggregate classification (germline): Uncertain significance (0 of 4 stars; one submission).

Conditions:
CTU2-related disorder. Also called: CTU2-related condition.

Submissions (6):

PreventionGenetics, part of Exact Sciences
Classification: Uncertain significance for CTU2-related condition. Last evaluated: 2024-06-16. Review status: no assertion criteria provided. Collection method: clinical testing. Allele origin: germline.
Comment: The CTU2 c.1097+5G>A variant is predicted to interfere with splicing. To our knowledge, this variant has not been reported in the literature. This variant is reported in 0.033% of alleles in individuals of East Asian descent in gnomAD. At this time, the clinical significance of this variant is uncertain due to the absence of conclusive functional and genetic evidence.

Dr. Peter K. Rogan Lab, Western University
No classification provided (evidence only). Condition: Familial cancer of breast. Review status: no classification provided. Collection method: in vitro. Allele origin: not applicable. Functional consequence: retained intron. Not counted in ClinVar's aggregate classification.

Dr. Peter K. Rogan Lab, Western University
No classification provided (evidence only). Condition: Cervical cancer. Review status: no classification provided. Collection method: in vitro. Allele origin: not applicable. Functional consequence: skipped exon, retained intron. Not counted in ClinVar's aggregate classification.

Dr. Peter K. Rogan Lab, Western University
No classification provided (evidence only). Condition: Sarcoma. Review status: no classification provided. Collection method: in vitro. Allele origin: not applicable. Functional consequence: retained intron. Not counted in ClinVar's aggregate classification.

Dr. Peter K. Rogan Lab, Western University
No classification provided (evidence only). Condition: Gastric cancer. Review status: no classification provided. Collection method: in vitro. Allele origin: not applicable. Functional consequence: retained intron. Not counted in ClinVar's aggregate classification.

Dr. Peter K. Rogan Lab, Western University
No classification provided (evidence only). Condition: Malignant tumor of esophagus. Review status: no classification provided. Collection method: in vitro. Allele origin: not applicable. Functional consequence: retained intron. Not counted in ClinVar's aggregate classification.

NM_001012759.3(CTU2):c.1097+5G>A

Gene: CTU2 (cytosolic thiouridylase subunit 2; plus strand). Cytogenetic location: 16q24.3.
Variant type: single nucleotide variant.
Coding change: c.1097+5G>A on transcript NM_001012759.3 (MANE Select); 5 bases into the intron after coding-DNA position 1097, G replaced by A.
Molecular consequence: intron variant.
Genome position (GRCh38, 1-based): chr16:88,714,232, G>A. VCF-style: chr16-88714232-G-A. GRCh37 (hg19) VCF-style: chr16-88780640-G-A.
Other names: NC_000016.9:g.88780640G>A; c.1310+5G>A (NM_001318507.2); c.1097+5G>A (NM_001012762.3); c.836+5G>A (NM_001318513.2).
Identifiers: ClinVar variation 3351136 (VCV003351136.2).